The following is an entry in ClinVar:

NM_000059.4(BRCA2):c.3728dup (p.Asp1243fs)

Gene: BRCA2 (BRCA2 DNA repair associated; plus strand). Cytogenetic location: 13q13.1.
Variant type: Duplication.
Coding change: c.3728dup on transcript NM_000059.4 (MANE Select); coding-DNA position 3728, one base duplicated (A; older notation c.3728dupA).
Protein change: p.Asp1243fs; shifts the reading frame from aspartic acid 1243.
Molecular consequence: frameshift variant.
Genome position (GRCh38, 1-based): chr13:32,338,083, A duplicated. VCF-style (leftmost placement, unchanged base first): chr13-32338082-G-GA. GRCh37 (hg19) VCF-style: chr13-32912219-G-GA.
Other names: 3956insA; short protein forms D1243fs.
Identifiers: ClinVar variation 266769 (VCV000266769.5), dbSNP rs886040493, ClinGen allele CA10589219.
Genomic context (GRCh38, chr13:32,338,082, plus strand): 5'-CATGGCACAAAACTGAATGTTTCTACTGAAGCTCTGCAAAAAGCTGTGAAACTGTTTAGT[G>GA]ATATTGAGAATATTAGTGAGGAAACTTCTGCAGAGGTACATCCAATAAGTTTATCTTCAA-3'

ClinVar aggregate classification (germline): Pathogenic. Review status: reviewed by expert panel (3 of 4 stars). 2 submissions from 2 submitters: Pathogenic (1). 1 of the submissions does not count toward it. Last evaluated 2016-10-18.

Conditions:
Breast-ovarian cancer, familial, susceptibility to, 2 (BROVCA2). Also called: BRCA2 Hereditary Breast and Ovarian Cancer. Identifiers: Orphanet 145, MedGen C2675520, MONDO:0012933, OMIM 612555. Disease mechanism: loss of function.

Submissions (2):

Evidence-based Network for the Interpretation of Germline Mutant Alleles (ENIGMA)
Classification: Pathogenic for Breast-ovarian cancer, familial, susceptibility to, 2. Last evaluated: 2016-10-18. Review status: reviewed by expert panel. Criteria: ENIGMA BRCA1/2 Classification Criteria (2015). Collection method: curation. Allele origin: germline.
Comment: Variant allele predicted to encode a truncated non-functional protein.

Consortium of Investigators of Modifiers of BRCA1/2 (CIMBA), c/o University of Cambridge
Classification: Pathogenic for Breast-ovarian cancer, familial, susceptibility to, 2. Last evaluated: 2015-10-02. Review status: criteria provided, single submitter. Criteria: CIMBA Mutation Classification guidelines May 2016. Collection method: clinical testing. Allele origin: germline. Not counted in ClinVar's aggregate classification.